The following is an entry in ClinVar:

ClinVar aggregate classification (germline): Conflicting classifications of pathogenicity. Review status: criteria provided, conflicting classifications (1 of 4 stars). 6 submissions from 6 submitters: Pathogenic (1); Likely pathogenic (1); Uncertain significance (3). 1 of the submissions does not count toward it. Last evaluated 2025-09-11.

Conditions:
EEF1A2-related disorder. Also called: EEF1A2-related disorders; EEF1A2-related condition.
Inborn genetic diseases. Identifiers: MedGen C0950123, MeSH D030342.
Developmental and epileptic encephalopathy, 33 (DEE33). Also called: Epileptic encephalopathy, early infantile, 33. Identifiers: Orphanet 442835, MedGen C4225337, MONDO:0014625, OMIM 616409.
Intellectual developmental disorder, autosomal dominant 38. Also called: PSYCHOMOTOR RETARDATION, EPILEPSY, AND LANGUAGE DISABILITY SYNDROME; Intellectual disability, autosomal dominant 38. Identifiers: MedGen C4225343, MONDO:0014617, OMIM 616393.

Allele frequency attached by ClinVar (database versions not stated): gnomAD exomes below 0.00001.
gnomAD v4.1: 1 of 1,613,140 alleles (0.000062%); highest among the groups gnomAD compares: Non-Finnish European, 0.000085%; no homozygotes.

Submissions (6):

GeneDx
Classification: Pathogenic. Last evaluated: 2025-09-11. Review status: criteria provided, single submitter. Criteria: GeneDx Variant Classification Process June 2021. Collection method: clinical testing. Allele origin: germline. Affected: yes.
Comment: De novo variant with confirmed parentage in an individual from a cohort of patients with developmental delay (PMID: 33057194); Not observed at significant frequency in large population cohorts (gnomAD); In silico analysis supports that this missense variant has a deleterious effect on protein structure/function; This variant is associated with the following publications: (PMID: 33057194, 38355961, 35982159)

Greenwood Genetic Center Diagnostic Laboratories, Greenwood Genetic Center
Classification: Likely pathogenic for EEF1A2-related disorder. Last evaluated: 2024-01-17. Review status: criteria provided, single submitter. Criteria: ACMG Guidelines, 2015. Collection method: clinical testing. Allele origin: germline. Affected: yes.
Comment: PS2, PP2, PP3

Labcorp Genetics (formerly Invitae), Labcorp
Classification: Uncertain significance for Developmental and epileptic encephalopathy, 33. Last evaluated: 2024-01-04. Review status: criteria provided, single submitter. Criteria: Invitae Variant Classification Sherloc (09022015). Collection method: clinical testing. Allele origin: germline.
Comment: This sequence change replaces threonine, which is neutral and polar, with methionine, which is neutral and non-polar, at codon 24 of the EEF1A2 protein (p.Thr24Met). This variant is not present in population databases (gnomAD no frequency). This missense change has been observed in individuals with clinical features of EEF1A2-related conditions (Invitae). ClinVar contains an entry for this variant (Variation ID: 422192). Advanced modeling of protein sequence and biophysical properties (such as structural, functional, and spatial information, amino acid conservation, physicochemical variation, residue mobility, and thermodynamic stability) performed at Invitae indicates that this missense variant is not expected to disrupt EEF1A2 protein function with a negative predictive value of 80%. In summary, the available evidence is currently insufficient to determine the role of this variant in disease. Therefore, it has been classified as a Variant of Uncertain Significance.

Ambry Genetics
Classification: Uncertain significance for Inborn genetic diseases. Last evaluated: 2021-06-09. Review status: criteria provided, single submitter. Criteria: Ambry Variant Classification Scheme 2023. Collection method: clinical testing. Allele origin: germline.

Centre for Mendelian Genomics, University Medical Centre Ljubljana
Classification: Uncertain significance for Intellectual developmental disorder, autosomal dominant 38. Last evaluated: 2019-10-08. Review status: criteria provided, single submitter. Criteria: ACMG Guidelines, 2015. Collection method: clinical testing. Allele origin: unknown. Affected: yes.
Comment: This variant was classified as: Uncertain significance. The available evidence favors the pathogenic nature of this variant, however the currently available data is insufficient to conclusively support its pathogenic nature. Thus this variant is classified as Uncertain significance - favor pathogenic. The following ACMG criteria were applied in classifying this variant: PM2,PP3.

Department of Genetics, Robert DEBRE University Hospital
Classification: Pathogenic. Last evaluated: 2018-04-26. Review status: no assertion criteria provided. Collection method: clinical testing. Allele origin: de novo. Affected: yes. Not counted in ClinVar's aggregate classification.

NM_001958.5(EEF1A2):c.71C>T (p.Thr24Met)

Gene: EEF1A2 (eukaryotic translation elongation factor 1 alpha 2; minus strand). Cytogenetic location: 20q13.33.
Variant type: single nucleotide variant.
Coding change: c.71C>T on transcript NM_001958.5 (MANE Select); coding-DNA position 71, C replaced by T.
Protein change: p.Thr24Met; replaces threonine 24 with methionine.
Molecular consequence: missense variant.
Genome position (GRCh38, 1-based): chr20:63,497,693, G>A on the plus strand (C>T on the coding strand, the complement: EEF1A2 is on the minus strand). VCF-style: chr20-63497693-G-A. GRCh37 (hg19) VCF-style: chr20-62129046-G-A.
Other names: c.71C>T (NM_001958.2); short protein forms T24M.
Identifiers: ClinVar variation 422192 (VCV000422192.19), dbSNP rs1064795618, ClinGen allele CA16620982.